The following is an entry in ClinVar:

NM_005548.3(KARS1):c.63-2599C>G

Gene: KARS1 (lysyl-tRNA synthetase 1; minus strand). Cytogenetic location: 16q23.1.
Variant type: single nucleotide variant.
Coding change: c.63-2599C>G on transcript NM_005548.3 (MANE Select); 2599 bases into the intron before coding-DNA position 63, C replaced by G.
Molecular consequence: intron variant. On other transcripts: missense variant (1).
Genome position (GRCh38, 1-based): chr16:75,644,322, G>C on the plus strand (C>G on the coding strand, the complement: KARS1 is on the minus strand). VCF-style: chr16-75644322-G-C. GRCh37 (hg19) VCF-style: chr16-75678220-G-C.
Other names: c.107C>G, p.Thr36Arg (NM_001130089.2); c.-406-2599C>G (NM_001378148.1); short protein forms T36R.
Identifiers: ClinVar variation 3005618 (VCV003005618.3), dbSNP rs2507062669, ClinGen allele CA396816430.

ClinVar aggregate classification (germline): Uncertain significance (1 of 4 stars; one submission).

Submission:

Labcorp Genetics (formerly Invitae), Labcorp
Classification: Uncertain significance. Last evaluated: 2023-12-11. Review status: criteria provided, single submitter. Criteria: Invitae Variant Classification Sherloc (09022015). Collection method: clinical testing. Allele origin: germline.
Comment: This sequence change replaces threonine, which is neutral and polar, with arginine, which is basic and polar, at codon 36 of the KARS protein (p.Thr36Arg). This variant is not present in population databases (gnomAD no frequency). This variant has not been reported in the literature in individuals affected with KARS-related conditions. Algorithms developed to predict the effect of missense changes on protein structure and function output the following: SIFT: "Not Available"; PolyPhen-2: "Benign"; Align-GVGD: "Not Available". The arginine amino acid residue is found in multiple mammalian species, which suggests that this missense change does not adversely affect protein function. In summary, the available evidence is currently insufficient to determine the role of this variant in disease. Therefore, it has been classified as a Variant of Uncertain Significance.